The following is an entry in ClinVar:

ClinVar aggregate classification (germline): Pathogenic/Likely pathogenic. Review status: criteria provided, multiple submitters, no conflicts (2 of 4 stars). 3 submissions from 3 submitters: Pathogenic (2); Likely pathogenic (1). Last evaluated 2023-12-21.

Conditions:
Cardiovascular phenotype. Identifiers: MedGen CN230736.
Hereditary cancer-predisposing syndrome. Also called: Neoplastic Syndromes, Hereditary; Tumor predisposition; Hereditary neoplastic syndrome; Hereditary Cancer Syndrome. Identifiers: Orphanet 140162, MedGen C0027672, MeSH D009386, MONDO:0015356.
Neurofibromatosis, type 1 (NF1). Also called: Peripheral type neurofibromatosis; VON RECKLINGHAUSEN DISEASE; NEUROFIBROMATOSIS, TYPE I, SOMATIC; Neurofibromatosis, type I. Identifiers: Orphanet 636, MedGen C0027831, MONDO:0018975, OMIM 162200. Disease mechanism: loss of function.
Juvenile myelomonocytic leukemia (JMML). Also called: LEUKEMIA, JUVENILE MYELOMONOCYTIC, SOMATIC. Identifiers: Orphanet 86834, MedGen C0349639, MONDO:0011908, OMIM 607785, HP:0012209.

Submissions (3):

Baylor Genetics
Classification: Likely pathogenic for Juvenile myelomonocytic leukemia. Last evaluated: 2023-12-21. Review status: criteria provided, single submitter. Criteria: ACMG Guidelines, 2015. Collection method: clinical testing. Allele origin: unknown.

Labcorp Genetics (formerly Invitae), Labcorp
Classification: Pathogenic for Neurofibromatosis, type 1. Last evaluated: 2023-11-27. Review status: criteria provided, single submitter. Criteria: Invitae Variant Classification Sherloc (09022015). Collection method: clinical testing. Allele origin: germline.
Comment: This sequence change creates a premature translational stop signal (p.Arg2098Lysfs*10) in the NF1 gene. It is expected to result in an absent or disrupted protein product. Loss-of-function variants in NF1 are known to be pathogenic (PMID: 10712197, 23913538). This variant is not present in population databases (gnomAD no frequency). This variant has not been reported in the literature in individuals affected with NF1-related conditions. ClinVar contains an entry for this variant (Variation ID: 1752668). For these reasons, this variant has been classified as Pathogenic.

Ambry Genetics
Classification: Pathogenic for Cardiovascular phenotype; Hereditary cancer-predisposing syndrome. Last evaluated: 2017-03-20. Review status: criteria provided, single submitter. Criteria: Ambry Variant Classification Scheme 2023. Collection method: clinical testing. Allele origin: germline.
Comment: The c.6292dupA pathogenic mutation, located in coding exon 41 of the NF1 gene, results from a duplication of A at nucleotide position 6292, causing a translational frameshift with a predicted alternate stop codon (p.R2098Kfs*10). This alteration is expected to result in loss of function by premature protein truncation or nonsense-mediated mRNA decay. As such, this alteration is interpreted as a disease-causing mutation.

Literature cited by the submitters: PubMed 10712197 (cited by Labcorp Genetics (formerly Invitae), Labcorp); PubMed 23913538 (cited by Labcorp Genetics (formerly Invitae), Labcorp).

NM_001042492.3(NF1):c.6355dup (p.Arg2119fs)

Gene: NF1 (neurofibromin 1; plus strand). Cytogenetic location: 17q11.2.
Variant type: Duplication.
Coding change: c.6355dup on transcript NM_001042492.3 (MANE Select); coding-DNA position 6355, one base duplicated (A; older notation c.6355dupA).
Protein change: p.Arg2119fs; shifts the reading frame from arginine 2119.
Molecular consequence: frameshift variant.
Genome position (GRCh38, 1-based): chr17:31,336,842, A duplicated. VCF-style (leftmost placement, unchanged base first): chr17-31336841-T-TA. GRCh37 (hg19) VCF-style: chr17-29663859-T-TA.
Other names: c.6292dupA (NM_000267.3); c.6292dup, p.Arg2098Lysfs (NM_000267.4); short protein forms R2119fs, R2098fs.
Identifiers: ClinVar variation 1752668 (VCV001752668.6), dbSNP rs2508749710, ClinGen allele CA2580093311.
Genomic context (GRCh38, chr17:31,336,841, plus strand): 5'-TCATCTTCCCTACCTCTTCCACGTTGTTACTTTCTTAGTAGCCACAGGTCCGCTCTCCCT[T>TA]AGAGCTTCCACACATGGACTGGTCATTAATATCATTCACTCTCTGTGTACTTGTTCACAG-3'